The following is an entry in ClinVar:

NM_018105.3(THAP1):c.467T>G (p.Val156Gly)

Gene: THAP1 (THAP domain containing 1; minus strand). Cytogenetic location: 8p11.21.
Variant type: single nucleotide variant.
Coding change: c.467T>G on transcript NM_018105.3 (MANE Select); coding-DNA position 467, T replaced by G.
Protein change: p.Val156Gly; replaces valine 156 with glycine.
Molecular consequence: missense variant. On other transcripts: 3 prime UTR variant (1).
Genome position (GRCh38, 1-based): chr8:42,838,137, A>C on the plus strand (T>G on the coding strand, the complement: THAP1 is on the minus strand). VCF-style: chr8-42838137-A-C. GRCh37 (hg19) VCF-style: chr8-42693280-A-C.
Other names: c.*109T>G (NM_199003.2); short protein forms V156G.
Identifiers: ClinVar variation 1695836 (VCV001695836.2), dbSNP rs2128918442, ClinGen allele CA371106982.

ClinVar aggregate classification (germline): Uncertain significance (1 of 4 stars; one submission).

Submission:

GeneDx
Classification: Uncertain significance. Last evaluated: 2022-01-05. Review status: criteria provided, single submitter. Criteria: GeneDx Variant Classification Process June 2021. Collection method: clinical testing. Allele origin: germline. Affected: yes.
Comment: Not observed at significant frequency in large population cohorts (gnomAD); In silico analysis supports that this missense variant does not alter protein structure/function; Has not been previously published as pathogenic or benign to our knowledge; This variant is associated with the following publications: (PMID: 28299530)